The following is an entry in ClinVar:

NM_002473.6(MYH9):c.1177C>T (p.Arg393Cys)

Gene: MYH9 (myosin heavy chain 9; minus strand). Cytogenetic location: 22q12.3.
Variant type: single nucleotide variant.
Coding change: c.1177C>T on transcript NM_002473.6 (MANE Select); coding-DNA position 1177, C replaced by T.
Protein change: p.Arg393Cys; replaces arginine 393 with cysteine.
Molecular consequence: missense variant.
Genome position (GRCh38, 1-based): chr22:36,318,257, G>A on the plus strand (C>T on the coding strand, the complement: MYH9 is on the minus strand). VCF-style: chr22-36318257-G-A. GRCh37 (hg19) VCF-style: chr22-36714302-G-A.
Other names: short protein forms R393C.
Identifiers: ClinVar variation 591037 (VCV000591037.4), dbSNP rs1156464508, ClinGen allele CA411403305.
Genomic context (GRCh38, chr22:36,318,257, plus strand): 5'-GAGGACATACCTGCTCTTTAGTCTGCGCCTTCTGGACGTAATCCCGTCCCACCTTGATGC[G>A]CGGGGTGAGGATTCCTCTGGTGAAATCGGTCACATTGATACCCAAGAGATGGGACACCTT-3'
Protein context (NP_002464.1, residues 383-403): TDFTRGILTP[Arg393Cys]IKVGRDYVQK

ClinVar aggregate classification (germline): Uncertain significance. Review status: criteria provided, single submitter (1 of 4 stars). 2 submissions from 2 submitters: Uncertain significance (1). 1 of the submissions does not count toward it. Last evaluated 2023-08-11.

Allele frequency attached by ClinVar (database versions not stated): gnomAD 0.00001; gnomAD exomes 0.00001; TOPMed 0.00001.
gnomAD v4.1: 7 of 1,613,706 alleles (0.00043%); highest among the groups gnomAD compares: East Asian, 0.0022%; no homozygotes.

Submissions (2):

Labcorp Genetics (formerly Invitae), Labcorp
Classification: Uncertain significance. Last evaluated: 2023-08-11. Review status: criteria provided, single submitter. Criteria: Invitae Variant Classification Sherloc (09022015). Collection method: clinical testing. Allele origin: germline.
Comment: In summary, the available evidence is currently insufficient to determine the role of this variant in disease. Therefore, it has been classified as a Variant of Uncertain Significance. This sequence change replaces arginine, which is basic and polar, with cysteine, which is neutral and slightly polar, at codon 393 of the MYH9 protein (p.Arg393Cys). This variant is not present in population databases (gnomAD no frequency). This variant has not been reported in the literature in individuals affected with MYH9-related conditions. ClinVar contains an entry for this variant (Variation ID: 591037). Advanced modeling of protein sequence and biophysical properties (such as structural, functional, and spatial information, amino acid conservation, physicochemical variation, residue mobility, and thermodynamic stability) has been performed at Invitae for this missense variant, however the output from this modeling did not meet the statistical confidence thresholds required to predict the impact of this variant on MYH9 protein function.

Gharavi Laboratory, Columbia University
Classification: Uncertain significance. Last evaluated: 2018-09-16. Review status: no assertion criteria provided. Criteria: ACMG Guidelines, 2015. Collection method: research. Allele origin: germline. Affected: yes. Not counted in ClinVar's aggregate classification.